The following is an entry in ClinVar:

ClinVar aggregate classification (germline): Likely benign (0 of 4 stars; one submission).

Conditions:
CC2D2A-related disorder. Also called: CC2D2A-related disorders; CC2D2A-related condition. Identifiers: MedGen CN239313.

Allele frequency attached by ClinVar (database versions not stated): gnomAD exomes below 0.00001.
gnomAD v4.1: 1 of 1,592,058 alleles (0.000063%); no homozygotes.

Submission:

PreventionGenetics, part of Exact Sciences
Classification: Likely benign for CC2D2A-related condition. Last evaluated: 2024-02-27. Review status: no assertion criteria provided. Collection method: clinical testing. Allele origin: germline.
Comment: This variant is classified as likely benign based on ACMG/AMP sequence variant interpretation guidelines (Richards et al. 2015 PMID: 25741868, with internal and published modifications).

NM_001378615.1(CC2D2A):c.541-7T>C

Genes: CC2D2A (coiled-coil and C2 domain containing 2A; plus strand), FBXL5 (F-box and leucine rich repeat protein 5; minus strand). Cytogenetic location: 4p15.32.
Variant type: single nucleotide variant.
Coding change: c.541-7T>C on transcript NM_001378615.1 (MANE Select); 7 bases into the intron before coding-DNA position 541, T replaced by C.
Molecular consequence: intron variant.
Genome position (GRCh38, 1-based): chr4:15,511,240, T>C. VCF-style: chr4-15511240-T-C. GRCh37 (hg19) VCF-style: chr4-15512863-T-C.
Other names: c.541-7T>C (NM_001080522.2); c.394-7T>C (NM_001378617.1).
Identifiers: ClinVar variation 3061274 (VCV003061274.2), dbSNP rs1271848545, ClinGen allele CA550187306.